The following is an entry in ClinVar:

NM_000264.5(PTCH1):c.548T>C (p.Leu183Pro)

Gene: PTCH1 (patched 1; minus strand). Cytogenetic location: 9q22.32.
Variant type: single nucleotide variant.
Coding change: c.548T>C on transcript NM_000264.5 (MANE Select); coding-DNA position 548, T replaced by C.
Protein change: p.Leu183Pro; replaces leucine 183 with proline.
Molecular consequence: missense variant. On other transcripts: non-coding transcript variant (1).
Genome position (GRCh38, 1-based): chr9:95,485,721, A>G on the plus strand (T>C on the coding strand, the complement: PTCH1 is on the minus strand). VCF-style: chr9-95485721-A-G. GRCh37 (hg19) VCF-style: chr9-98248003-A-G.
Other names: c.350T>C, p.Leu117Pro (NM_001083602.3, NM_001354919.2); c.545T>C, p.Leu182Pro (NM_001083603.3); c.95T>C, p.Leu32Pro (NM_001083604.3, NM_001083605.3, NM_001083606.3 and 1 more transcripts); c.548T>C, p.Leu183Pro (NM_001354918.2); short protein forms L117P, L182P, L183P, L32P.
Identifiers: ClinVar variation 2581826 (VCV002581826.1), dbSNP rs1588622247, ClinGen allele CA374116707.

ClinVar aggregate classification (germline): Uncertain significance (1 of 4 stars; one submission).

Submission:

GeneDx
Classification: Uncertain significance. Last evaluated: 2023-03-28. Review status: criteria provided, single submitter. Criteria: GeneDx Variant Classification Process June 2021. Collection method: clinical testing. Allele origin: germline. Affected: yes.
Comment: Not observed at significant frequency in large population cohorts (gnomAD); In silico analysis supports that this missense variant has a deleterious effect on protein structure/function; Has not been previously published as pathogenic or benign to our knowledge; This variant is associated with the following publications: (PMID: 8906794)